The following is an entry in ClinVar:

ClinVar aggregate classification (germline): Conflicting classifications of pathogenicity. Review status: criteria provided, conflicting classifications (1 of 4 stars). 3 submissions from 3 submitters: Likely pathogenic (2); Uncertain significance (1). Last evaluated 2025-08-23.

Conditions:
3-Methylglutaconic aciduria type 2 (BTHS). Also called: CARDIOSKELETAL MYOPATHY WITH NEUTROPENIA AND ABNORMAL MITOCHONDRIA; Barth syndrome. Identifiers: Orphanet 111, MedGen C0574083, MONDO:0010543, OMIM 302060.

Submissions (3):

Labcorp Genetics (formerly Invitae), Labcorp
Classification: Uncertain significance for 3-Methylglutaconic aciduria type 2. Last evaluated: 2025-08-23. Review status: criteria provided, single submitter. Criteria: Invitae Variant Classification Sherloc (09022015). Collection method: clinical testing. Allele origin: germline.
Comment: This sequence change affects an acceptor splice site in intron 10 of the TAZ gene. While this variant is not anticipated to result in nonsense mediated decay, it likely alters RNA splicing and results in a disrupted protein product. This variant is not present in population databases (gnomAD no frequency). This variant has not been reported in the literature in individuals affected with TAZ-related conditions. ClinVar contains an entry for this variant (Variation ID: 234603). Variants that disrupt the consensus splice site are a relatively common cause of aberrant splicing (PMID: 17576681, 9536098). Algorithms developed to predict the effect of sequence changes on RNA splicing suggest that this variant may disrupt the consensus splice site. In summary, the available evidence is currently insufficient to determine the role of this variant in disease. Therefore, it has been classified as a Variant of Uncertain Significance.

Molecular Diagnostics Lab, Nemours Children's Health, Delaware
Classification: Likely pathogenic for 3-Methylglutaconic aciduria type 2. Last evaluated: 2021-04-26. Review status: criteria provided, single submitter. Criteria: ACMG Guidelines, 2015. Collection method: clinical testing. Allele origin: maternal, unknown. Inheritance: X-linked inheritance. Affected: yes and no. Observed: 1 heterozygote, 1 hemizygote.

GeneDx
Classification: Likely pathogenic. Last evaluated: 2017-03-01. Review status: criteria provided, single submitter. Criteria: GeneDx Variant Classification (06012015). Collection method: clinical testing. Allele origin: germline. Affected: yes.
Comment: Although the c.778-2 A>G variant has not been published as a pathogenic variant or as a benign variant to our knowledge, it has previously been reported in an external variant database, however additional information was not provided. This variant destroys the canonical splice acceptor site in intron 10 and is predicted to cause abnormal gene splicing. This variant is predicted to lead to either an abnormal message that is subject to nonsense-mediated mRNA decay, or to an abnormal protein product if the message is used for protein translation. Other splice site variants in the TAZ gene have been reported in HGMD in association with Barth syndrome and LVNC, including a different variant affecting the same splice acceptor site (c.778-1 G>T) (Stenson et al., 2014). Furthermore, the c.778-2 A>G variant was not observed in approximately 6,500 individuals of European and African American ancestry in the NHLBI Exome Sequencing Project, indicating it is not a common benign variant in these populations. In summary, c.778-2 A>G in the TAZ gene is interpreted as a pathogenic variant.

Literature cited by the submitters: PubMed 17576681 (cited by Labcorp Genetics (formerly Invitae), Labcorp); PubMed 9536098 (cited by Labcorp Genetics (formerly Invitae), Labcorp).

NM_000116.5(TAFAZZIN):c.778-2A>G

Gene: TAFAZZIN (tafazzin, phospholipid-lysophospholipid transacylase; plus strand). Cytogenetic location: Xq28.
Variant type: single nucleotide variant.
Coding change: c.778-2A>G on transcript NM_000116.5 (MANE Select); the canonical splice acceptor site of the intron before coding-DNA position 778, A replaced by G.
Molecular consequence: splice acceptor variant.
Genome position (GRCh38, 1-based): chrX:154,420,901, A>G. VCF-style: chrX-154420901-A-G. GRCh37 (hg19) VCF-style: chrX-153649240-A-G.
Other names: c.790-2A>G (NM_001303465.2); c.742-2A>G (NM_001410698.1); c.736-2A>G (NM_181312.4); c.688-2A>G (NM_181311.4); c.646-2A>G (NM_181313.4).
Identifiers: ClinVar variation 234603 (VCV000234603.5), dbSNP rs876661112, ClinGen allele CA10577661.
Genomic context (GRCh38, chrX:154,420,901, plus strand): 5'-TCCCAGGGCACCTTGGCCAAGCTTCCCGAGGGGTGCAGGCCATCCCTGGTCCTTTCCCTC[A>G]GGTGGAGATGCGGAAAGCCCTGACGGACTTCATTCAAGAGGAATTCCAGCATCTGAAGAC-3'